The following is an entry in ClinVar:

NM_000089.4(COL1A2):c.3251G>A (p.Gly1084Asp)

Gene: COL1A2 (collagen type I alpha 2 chain; plus strand). Cytogenetic location: 7q21.3.
Variant type: single nucleotide variant.
Coding change: c.3251G>A on transcript NM_000089.4 (MANE Select); coding-DNA position 3251, G replaced by A.
Protein change: p.Gly1084Asp; replaces glycine 1084 with aspartic acid.
Molecular consequence: missense variant.
Genome position (GRCh38, 1-based): chr7:94,427,279, G>A. VCF-style: chr7-94427279-G-A. GRCh37 (hg19) VCF-style: chr7-94056591-G-A.
Other names: short protein forms G1084D.
Identifiers: ClinVar variation 4075354 (VCV004075354.1).

ClinVar aggregate classification (germline): Pathogenic (1 of 4 stars; one submission).

Conditions:
Osteogenesis imperfecta with normal sclerae, dominant form (OI4). Also called: Common Variable Osteogenesis Imperfecta with Normal Sclerae; OSTEOGENESIS IMPERFECTA, TYPE IV, WITH DENTINOGENESIS IMPERFECTA; Osteogenesis Imperfecta Type IV; OSTEOGENESIS IMPERFECTA WITH NORMAL SCLERAE; Osteogenesis imperfecta type 4. Identifiers: Orphanet 216820, Orphanet 666, MedGen C0268363, MONDO:0008148, OMIM 166220.

gnomAD v4.1: 1 of 1,612,854 alleles (0.000062%); no homozygotes.

Submission:

Clinical Biomedical Laboratory, Shriners Hospital For Children - Canada
Classification: Pathogenic for Osteogenesis imperfecta with normal sclerae, dominant form. Last evaluated: 2025-07-16. Review status: criteria provided, single submitter. Criteria: ACMG Guidelines, 2015. Collection method: clinical testing. Allele origin: germline. Affected: yes.
Comment: This variant is predicted to substitute a glycine residue by an aspartic acid residue in the triple helical domain of the collagen type I alpha 2 chain. Glycine substitutions in the triple helical domain of collagen cause disruption in the formation of the triple helix in the collagen type I molecule and are a typical cause of osteogenesis imperfecta. In the Genome Aggregation Database v2.1.1 this variant is not present. Prediction tools (REVEL: 0.97) suggest that the change is damaging to protein function.